The following is an entry in ClinVar:

NM_001134831.2(AHI1):c.1904C>T (p.Pro635Leu)

Gene: AHI1 (Abelson helper integration site 1; minus strand). Cytogenetic location: 6q23.3.
Variant type: single nucleotide variant.
Coding change: c.1904C>T on transcript NM_001134831.2 (MANE Select); coding-DNA position 1904, C replaced by T.
Protein change: p.Pro635Leu; replaces proline 635 with leucine.
Molecular consequence: missense variant.
Genome position (GRCh38, 1-based): chr6:135,442,590, G>A on the plus strand (C>T on the coding strand, the complement: AHI1 is on the minus strand). VCF-style: chr6-135442590-G-A. GRCh37 (hg19) VCF-style: chr6-135763728-G-A.
Other names: c.1904C>T, p.Pro635Leu (NM_001134830.2, NM_001134832.2, NM_001350503.2 and 2 more transcripts); short protein forms P635L.
Identifiers: ClinVar variation 355505 (VCV000355505.11), dbSNP rs371531507, ClinGen allele CA4012484.
Genomic context (GRCh38, chr6:135,442,590, plus strand): 5'-ATGTCCTCCACGTGGACTACAATCAGATTAAACAGGTAGGATTATTACTCACAAATAATT[G>A]GATATCCATCCCGGCTGGCACAAGCTGCTGCTAATATTCTTCCATTGTGGGAGAAATCAA-3'
Protein context (NP_001128303.1, residues 625-645): AAACASRDGY[Pro635Leu]IILYEIPSGR

ClinVar aggregate classification (germline): Uncertain significance. Review status: criteria provided, multiple submitters, no conflicts (2 of 4 stars). 4 submissions from 4 submitters: Uncertain significance (4). Last evaluated 2025-03-28.

Conditions:
Joubert syndrome 3 (JBTS3). Also called: AHI1-related Ciliopathy. Identifiers: Orphanet 220493, MedGen C1837713, MONDO:0012078, OMIM 608629.
Joubert syndrome. Also called: JOUBERT-BOLTSHAUSER SYNDROME; Familial aplasia of the vermis. Identifiers: Orphanet 475, MedGen C5979921, MONDO:0018772.
Inborn genetic diseases. Identifiers: MedGen C0950123, MeSH D030342.

Allele frequency attached by ClinVar (database versions not stated): gnomAD exomes below 0.00001 and 0.00003; ExAC 0.00001; gnomAD 0.00001; TOPMed 0.00002; ESP Exome Variant Server 0.00008.
gnomAD v4.1: 42 of 1,607,664 alleles (0.0026%); highest among the groups gnomAD compares: Non-Finnish European, 0.0035%; no homozygotes.

Submissions (4):

Ambry Genetics
Classification: Uncertain significance for Inborn genetic diseases. Last evaluated: 2025-03-28. Review status: criteria provided, single submitter. Criteria: Ambry Variant Classification Scheme 2023. Collection method: clinical testing. Allele origin: germline.

Blueprint Genetics
Classification: Uncertain significance. Last evaluated: 2024-07-05. Review status: criteria provided, single submitter. Criteria: ACMG Guidelines, 2015. Collection method: clinical testing. Allele origin: germline.

Labcorp Genetics (formerly Invitae), Labcorp
Classification: Uncertain significance for Joubert syndrome. Last evaluated: 2022-02-24. Review status: criteria provided, single submitter. Criteria: Invitae Variant Classification Sherloc (09022015). Collection method: clinical testing. Allele origin: germline.
Comment: This sequence change replaces proline, which is neutral and non-polar, with leucine, which is neutral and non-polar, at codon 635 of the AHI1 protein (p.Pro635Leu). The frequency data for this variant in the population databases is considered unreliable, as metrics indicate poor data quality at this position in the gnomAD database. This variant has not been reported in the literature in individuals affected with AHI1-related conditions. ClinVar contains an entry for this variant (Variation ID: 355505). Algorithms developed to predict the effect of missense changes on protein structure and function are either unavailable or do not agree on the potential impact of this missense change (SIFT: "Deleterious"; PolyPhen-2: "Possibly Damaging"; Align-GVGD: "Class C0"). In summary, the available evidence is currently insufficient to determine the role of this variant in disease. Therefore, it has been classified as a Variant of Uncertain Significance.

Illumina Laboratory Services, Illumina
Classification: Uncertain significance for Joubert syndrome 3. Last evaluated: 2018-01-12. Review status: criteria provided, single submitter. Criteria: ICSL Variant Classification Criteria 13 December 2019. Collection method: clinical testing. Allele origin: germline.